The following is an entry in ClinVar:

ClinVar aggregate classification (germline): Uncertain significance. Review status: criteria provided, multiple submitters, no conflicts (2 of 4 stars). 4 submissions from 4 submitters: Uncertain significance (2). 2 of the submissions do not count toward it. Last evaluated 2022-07-06.

Conditions:
Inborn genetic diseases. Identifiers: MedGen C0950123, MeSH D030342.
VPS13B-related disorder. Also called: VPS13B-related condition.
Cohen syndrome (COH1). Also called: PEPPER SYNDROME; Cutis verticis gyrata, retinitis pigmentosa, and sensorineural deafness. Identifiers: Orphanet 193, MedGen C0265223, MONDO:0008999, OMIM 216550.

Allele frequency attached by ClinVar (database versions not stated): ExAC 0.00001; gnomAD exomes 0.00001 and 0.00002; gnomAD 0.00002; TOPMed 0.00003.
gnomAD v4.1: 31 of 1,613,974 alleles (0.0019%); highest among the groups gnomAD compares: South Asian, 0.0077%; no homozygotes.

Submissions (4):

Labcorp Genetics (formerly Invitae), Labcorp
Classification: Uncertain significance for Cohen syndrome. Last evaluated: 2022-07-06. Review status: criteria provided, single submitter. Criteria: Invitae Variant Classification Sherloc (09022015). Collection method: clinical testing. Allele origin: germline.
Comment: This sequence change replaces arginine, which is basic and polar, with cysteine, which is neutral and slightly polar, at codon 1824 of the VPS13B protein (p.Arg1824Cys). This variant is present in population databases (rs751912986, gnomAD 0.007%). This variant has not been reported in the literature in individuals affected with VPS13B-related conditions. ClinVar contains an entry for this variant (Variation ID: 588043). Algorithms developed to predict the effect of missense changes on protein structure and function are either unavailable or do not agree on the potential impact of this missense change (SIFT: "Not Available"; PolyPhen-2: "Possibly Damaging"; Align-GVGD: "Not Available"). In summary, the available evidence is currently insufficient to determine the role of this variant in disease. Therefore, it has been classified as a Variant of Uncertain Significance.

Ambry Genetics
Classification: Uncertain significance for Inborn genetic diseases. Last evaluated: 2016-07-12. Review status: criteria provided, single submitter. Criteria: Ambry Variant Classification Scheme 2023. Collection method: clinical testing. Allele origin: germline.
Comment: The p.R1824C variant (also known as c.5470C>T), located in coding exon 33 of the VPS13B gene, results from a C to T substitution at nucleotide position 5470. The arginine at codon 1824 is replaced by cysteine, an amino acid with highly dissimilar properties. This amino acid position is poorly conserved in available vertebrate species. In addition, this alteration is predicted to be tolerated by in silico analysis. Since supporting evidence is limited at this time, the clinical significance of this alteration remains unclear.

PreventionGenetics, part of Exact Sciences
Classification: Uncertain significance for VPS13B-related condition. Last evaluated: 2024-05-30. Review status: no assertion criteria provided. Collection method: clinical testing. Allele origin: germline. Not counted in ClinVar's aggregate classification.
Comment: The VPS13B c.5395C>T variant is predicted to result in the amino acid substitution p.Arg1799Cys. To our knowledge, this variant has not been reported in the literature. This variant is reported in 0.0062% of alleles in individuals of African descent in gnomAD. At this time, the clinical significance of this variant is uncertain due to the absence of conclusive functional and genetic evidence.

Natera, Inc.
Classification: Uncertain significance for Cohen syndrome. Last evaluated: 2019-11-11. Review status: no assertion criteria provided. Collection method: clinical testing. Allele origin: germline. Not counted in ClinVar's aggregate classification.

NM_152564.5(VPS13B):c.5395C>T (p.Arg1799Cys)

Gene: VPS13B (vacuolar protein sorting 13 homolog B; plus strand). Cytogenetic location: 8q22.2.
Variant type: single nucleotide variant.
Coding change: c.5395C>T on transcript NM_152564.5 (MANE Select); coding-DNA position 5395, C replaced by T.
Protein change: p.Arg1799Cys; replaces arginine 1799 with cysteine.
Molecular consequence: missense variant.
Genome position (GRCh38, 1-based): chr8:99,641,985, C>T. VCF-style: chr8-99641985-C-T. GRCh37 (hg19) VCF-style: chr8-100654213-C-T.
Other names: c.5395C>T (NM_152564.4); c.5470C>T, p.Arg1824Cys (NM_017890.5); short protein forms R1799C, R1824C.
Identifiers: ClinVar variation 588043 (VCV000588043.13), dbSNP rs751912986, ClinGen allele CA4823817.